The following is an entry in ClinVar:

ClinVar aggregate classification (germline): Uncertain significance (1 of 4 stars; one submission).

Conditions:
Long QT syndrome (LQTS). Identifiers: MedGen C0023976, MeSH D008133, MONDO:0002442. Disease mechanism: loss of function. Inheritance: Various modes of inheritance.

Submission:

Labcorp Genetics (formerly Invitae), Labcorp
Classification: Uncertain significance for Long QT syndrome. Last evaluated: 2024-06-03. Review status: criteria provided, single submitter. Criteria: Invitae Variant Classification Sherloc (09022015). Collection method: clinical testing. Allele origin: germline.
Comment: This sequence change replaces arginine, which is basic and polar, with leucine, which is neutral and non-polar, at codon 243 of the CACNA1C protein (p.Arg243Leu). This variant is not present in population databases (gnomAD no frequency). This variant has not been reported in the literature in individuals affected with CACNA1C-related conditions. ClinVar contains an entry for this variant (Variation ID: 1720932). Advanced modeling of protein sequence and biophysical properties (such as structural, functional, and spatial information, amino acid conservation, physicochemical variation, residue mobility, and thermodynamic stability) performed at Invitae indicates that this missense variant is expected to disrupt CACNA1C protein function with a positive predictive value of 95%. In summary, the available evidence is currently insufficient to determine the role of this variant in disease. Therefore, it has been classified as a Variant of Uncertain Significance.

NM_000719.7(CACNA1C):c.728G>T (p.Arg243Leu)

Gene: CACNA1C (calcium voltage-gated channel subunit alpha1 C; plus strand). Cytogenetic location: 12p13.33.
Variant type: single nucleotide variant.
Coding change: c.728G>T on transcript NM_000719.7 (MANE Select); coding-DNA position 728, G replaced by T.
Protein change: p.Arg243Leu; replaces arginine 243 with leucine.
Molecular consequence: missense variant.
Genome position (GRCh38, 1-based): chr12:2,457,677, G>T. VCF-style: chr12-2457677-G-T. GRCh37 (hg19) VCF-style: chr12-2566843-G-T.
Other names: c.728G>T, p.Arg243Leu (NM_001129827.2, NM_001129829.2, NM_001129830.3 and 19 more transcripts); short protein forms R243L.
Identifiers: ClinVar variation 1720932 (VCV001720932.6), dbSNP rs2497869130, ClinGen allele CA383367856.